The following is an entry in ClinVar:

NM_001127222.2(CACNA1A):c.5844G>A (p.Thr1948=)

Gene: CACNA1A (calcium voltage-gated channel subunit alpha1 A; minus strand). Cytogenetic location: 19p13.13.
Variant type: single nucleotide variant.
Coding change: c.5844G>A on transcript NM_001127222.2 (MANE Select); coding-DNA position 5844, G replaced by A.
Protein change: p.Thr1948=; no amino-acid change (threonine 1948 retained).
Molecular consequence: synonymous variant.
Genome position (GRCh38, 1-based): chr19:13,214,329, C>T on the plus strand (G>A on the coding strand, the complement: CACNA1A is on the minus strand). VCF-style: chr19-13214329-C-T. GRCh37 (hg19) VCF-style: chr19-13325143-C-T.
Other names: c.5862G>A, p.Thr1954= (NM_000068.4, NM_023035.3); c.5847G>A, p.Thr1949= (NM_001127221.2); c.5853G>A, p.Thr1951= (NM_001174080.2).
Identifiers: ClinVar variation 681684 (VCV000681684.43), dbSNP rs368203745, ClinGen allele CA9239559.

ClinVar aggregate classification (germline): Conflicting classifications of pathogenicity. Review status: criteria provided, conflicting classifications (1 of 4 stars). 3 submissions from 3 submitters: Uncertain significance (1); Likely benign (2). Last evaluated 2025-12-16.

Conditions:
Developmental and epileptic encephalopathy, 42 (DEE42A). Also called: Epileptic encephalopathy, early infantile, 42; DEVELOPMENTAL AND EPILEPTIC ENCEPHALOPATHY 42A; EPILEPTIC ENCEPHALOPATHY, EARLY INFANTILE, 42A. Identifiers: MedGen C4310716, MONDO:0014917, OMIM 617106.
Episodic ataxia type 2 (EA2). Also called: ACETAZOLAMIDE-RESPONSIVE HEREDITARY PAROXYSMAL CEREBELLAR ATAXIA; ATAXIA, EPISODIC, WITH NYSTAGMUS; ATAXIA, FAMILIAL PAROXYSMAL; CEREBELLAR ATAXIA, PAROXYSMAL, ACETAZOLAMIDE-RESPONSIVE; CEREBELLOPATHY, HEREDITARY PAROXYSMAL; EPISODIC ATAXIA, NYSTAGMUS-ASSOCIATED. Identifiers: Orphanet 97, MedGen C1720416, MONDO:0007163, OMIM 108500.

Allele frequency attached by ClinVar (database versions not stated): gnomAD 0.00002 and 0.00003; gnomAD exomes 0.00002 and 0.00003; TOPMed 0.00002; ExAC 0.00003; ESP Exome Variant Server 0.00008; 1000 Genomes Project 30x 0.00016; 1000 Genomes Project 0.00020.
gnomAD v4.1: 32 of 1,612,548 alleles (0.002%); highest among the groups gnomAD compares: Middle Eastern, 0.016%; no homozygotes.

Submissions (3):

Labcorp Genetics (formerly Invitae), Labcorp
Classification: Likely benign for Developmental and epileptic encephalopathy, 42; Episodic ataxia type 2. Last evaluated: 2025-12-16. Review status: criteria provided, single submitter. Criteria: Invitae Variant Classification Sherloc (09022015). Collection method: clinical testing. Allele origin: germline.

CeGaT Center for Human Genetics Tuebingen
Classification: Uncertain significance. Last evaluated: 2021-06-01. Review status: criteria provided, single submitter. Criteria: CeGaT Center For Human Genetics Tuebingen Variant Classification Criteria Version 2. Collection method: clinical testing. Allele origin: germline. Affected: yes. Observed: 1 variant allele.

GeneDx
Classification: Likely benign. Last evaluated: 2018-04-19. Review status: criteria provided, single submitter. Criteria: GeneDx Variant Classification (06012015). Collection method: clinical testing. Allele origin: germline. Affected: yes.
Comment: This variant is considered likely benign or benign based on one or more of the following criteria: it is a conservative change, it occurs at a poorly conserved position in the protein, it is predicted to be benign by multiple in silico algorithms, and/or has population frequency not consistent with disease.